The following is an entry in ClinVar:

ClinVar aggregate classification (germline): Likely benign (1 of 4 stars; one submission).

Submission:

CeGaT Center for Human Genetics Tuebingen
Classification: Likely benign. Last evaluated: 2024-12-01. Review status: criteria provided, single submitter. Criteria: CeGaT Center For Human Genetics Tuebingen Variant Classification Criteria Version 2. Collection method: clinical testing. Allele origin: germline. Affected: yes. Observed: 1 variant allele.
Comment: SETD1B: BP4, BP7

NM_001353345.2(SETD1B):c.2193A>C (p.Pro731=)

Gene: SETD1B (SET domain containing 1B, histone lysine methyltransferase; plus strand). Cytogenetic location: 12q24.31.
Variant type: single nucleotide variant.
Coding change: c.2193A>C on transcript NM_001353345.2 (MANE Select); coding-DNA position 2193, A replaced by C.
Protein change: p.Pro731=; no amino-acid change (proline 731 retained).
Molecular consequence: synonymous variant.
Genome position (GRCh38, 1-based): chr12:121,814,408, A>C. VCF-style: chr12-121814408-A-C. GRCh37 (hg19) VCF-style: chr12-122252314-A-C.
Identifiers: ClinVar variation 3770876 (VCV003770876.13).